The following is an entry in ClinVar:

NM_000038.6(APC):c.5562C>T (p.Tyr1854=)

Gene: APC (APC regulator of Wnt signaling pathway; plus strand). Cytogenetic location: 5q22.2.
Variant type: single nucleotide variant.
Coding change: c.5562C>T on transcript NM_000038.6 (MANE Select); coding-DNA position 5562, C replaced by T.
Protein change: p.Tyr1854=; no amino-acid change (tyrosine 1854 retained).
Molecular consequence: synonymous variant. On other transcripts: non-coding transcript variant (2).
Genome position (GRCh38, 1-based): chr5:112,841,156, C>T. VCF-style: chr5-112841156-C-T. GRCh37 (hg19) VCF-style: chr5-112176853-C-T.
Other names: c.5562C>T, p.Tyr1854= (NM_001354895.2, NM_001407450.1, NM_001127510.3); c.5616C>T, p.Tyr1872= (NM_001354896.2, NM_001407447.1, NM_001407448.1 and 1 more transcripts); c.5592C>T, p.Tyr1864= (NM_001354897.2); c.5487C>T, p.Tyr1829= (NM_001354898.2); c.5478C>T, p.Tyr1826= (NM_001354899.2); c.5439C>T, p.Tyr1813= (NM_001354900.2); c.5385C>T, p.Tyr1795= (NM_001354901.2, NM_001407453.1); c.5289C>T, p.Tyr1763= (NM_001354902.2); and 11 more.
Identifiers: ClinVar variation 1748318 (VCV001748318.3), dbSNP rs2149943308, ClinGen allele CA446208937.
Genomic context (GRCh38, chr5:112,841,156, plus strand): 5'-CAGAGGAAGTTTTGCTTTTGATTCACCTCATCATTACACGCCTATTGAAGGAACTCCTTA[C>T]TGTTTTTCACGAAATGATTCTTTGAGTTCTCTAGATTTTGATGATGATGATGTTGACCTT-3'
Protein context (NP_000029.2, residues 1844-1864): HHYTPIEGTP[Tyr1854=]CFSRNDSLSS

ClinVar aggregate classification (germline): Benign/Likely benign. Review status: criteria provided, multiple submitters, no conflicts (2 of 4 stars). 2 submissions from 2 submitters: Benign (1); Likely benign (1). Last evaluated 2024-04-02.

Conditions:
Hereditary cancer-predisposing syndrome. Also called: Hereditary Cancer Syndrome; Hereditary neoplastic syndrome; Neoplastic Syndromes, Hereditary; Tumor predisposition. Identifiers: Orphanet 140162, MedGen C0027672, MeSH D009386, MONDO:0015356.
Familial adenomatous polyposis 1 (FAP1). Also called: FAMILIAL ADENOMATOUS POLYPOSIS 1, ATTENUATED; POLYPOSIS, ADENOMATOUS INTESTINAL. Identifiers: MedGen C2713442, MONDO:0021056, OMIM 175100. Disease mechanism: loss of function.

Submissions (2):

Myriad Genetics, Inc.
Classification: Benign for Familial adenomatous polyposis 1. Last evaluated: 2024-04-02. Review status: criteria provided, single submitter. Criteria: Myriad Autosomal Dominant, Autosomal Recessive and X-Linked Classification Criteria (2023). Collection method: clinical testing. Allele origin: unknown.
Comment: This variant is considered benign. This variant is a silent/synonymous amino acid change and it is not expected to impact splicing.

Ambry Genetics
Classification: Likely benign for Hereditary cancer-predisposing syndrome. Last evaluated: 2019-08-31. Review status: criteria provided, single submitter. Criteria: Ambry Variant Classification Scheme 2023. Collection method: clinical testing. Allele origin: germline.